The following is an entry in ClinVar:

ClinVar aggregate classification (germline): Uncertain significance (1 of 4 stars; one submission).

Conditions:
Pseudohypoaldosteronism type 2C (PHA2C). Also called: Pseudohypoaldosteronism Type IIC. Identifiers: Orphanet 757, Orphanet 88940, MedGen C1840391, MONDO:0013778, OMIM 614492.
Neuropathy, hereditary sensory and autonomic, type 2A (HSAN2A). Also called: ACROOSTEOLYSIS, GIACCAI TYPE; ACROOSTEOLYSIS, NEUROGENIC; MORVAN DISEASE; NEUROPATHY, CONGENITAL SENSORY; NEUROPATHY, HEREDITARY SENSORY RADICULAR, AUTOSOMAL RECESSIVE; NEUROPATHY, HEREDITARY SENSORY, TYPE IIA. Identifiers: Orphanet 970, MedGen C2752089, MONDO:0024309, OMIM 201300.

Allele frequency attached by ClinVar (database versions not stated): TOPMed 0.00001.
gnomAD v4.1: 6 of 1,613,938 alleles (0.00037%); highest among the groups gnomAD compares: Non-Finnish European, 0.00051%; no homozygotes.

Submission:

Labcorp Genetics (formerly Invitae), Labcorp
Classification: Uncertain significance for Neuropathy, hereditary sensory and autonomic, type 2A; Pseudohypoaldosteronism type 2C. Last evaluated: 2019-11-27. Review status: criteria provided, single submitter. Criteria: Invitae Variant Classification Sherloc (09022015). Collection method: clinical testing. Allele origin: germline.
Comment: In summary, the available evidence is currently insufficient to determine the role of this variant in disease. Therefore, it has been classified as a Variant of Uncertain Significance. Algorithms developed to predict the effect of missense changes on protein structure and function are either unavailable or do not agree on the potential impact of this missense change (SIFT: "Tolerated"; PolyPhen-2: "Not Available"; Align-GVGD: "Class C0"). This variant has not been reported in the literature in individuals with WNK1-related conditions. This variant is not present in population databases (ExAC no frequency). This sequence change replaces glycine with alanine at codon 808 of the WNK1 protein (p.Gly808Ala). The glycine residue is weakly conserved and there is a small physicochemical difference between glycine and alanine.

NM_213655.5(WNK1):c.2423G>C (p.Gly808Ala)

Gene: WNK1 (WNK lysine deficient protein kinase 1; plus strand). Cytogenetic location: 12p13.33.
Variant type: single nucleotide variant.
Coding change: c.2423G>C on transcript NM_213655.5 (MANE Plus Clinical); coding-DNA position 2423, G replaced by C.
Protein change: p.Gly808Ala; replaces glycine 808 with alanine.
Molecular consequence: missense variant. On other transcripts: intron variant (2).
Genome position (GRCh38, 1-based): chr12:867,894, G>C. VCF-style: chr12-867894-G-C. GRCh37 (hg19) VCF-style: chr12-977060-G-C.
Other names: c.2168G>C, p.Gly723Ala (NM_001184985.2); c.2140-3371G>C (NM_018979.4, NM_014823.3); short protein forms G723A, G808A.
Identifiers: ClinVar variation 858837 (VCV000858837.9), dbSNP rs1241803361, ClinGen allele CA383338687.